The following is an entry in ClinVar:

ClinVar aggregate classification (germline): Likely benign (1 of 4 stars; one submission).

Conditions:
Malignant hyperthermia, susceptibility to, 1 (MHS1). Also called: Anesthesia related hyperthermia; Malignant hyperpyrexia; Fulminating hyperpyrexia; Pharmacogenic myopathy; RYR1-Related Malignant Hyperthermia Susceptibility; Malignant hyperthermia suceptibility 1. Identifiers: Orphanet 423, MedGen C2930980, MONDO:0007783, OMIM 145600.

Submission:

All of Us Research Program, National Institutes of Health
Classification: Likely benign for Malignant hyperthermia, susceptibility to, 1. Last evaluated: 2024-07-29. Review status: criteria provided, single submitter. Criteria: ACMG Guidelines, 2015. Collection method: clinical testing. Allele origin: germline. Inheritance: Autosomal dominant inheritance. Observed: 1 variant allele, 1 heterozygote.
Comment: This study involves interpretation of variants in research participants for the purpose of population health screening. Participant phenotype was not available at the time of variant classification. Additional details can be found in publication PMID: 35346344, PMCID: PMC8962531

NM_000540.3(RYR1):c.4572C>T (p.Gly1524=)

Gene: RYR1 (ryanodine receptor 1; plus strand). Cytogenetic location: 19q13.2.
Variant type: single nucleotide variant.
Coding change: c.4572C>T on transcript NM_000540.3 (MANE Select); coding-DNA position 4572, C replaced by T.
Protein change: p.Gly1524=; no amino-acid change (glycine 1524 retained).
Molecular consequence: synonymous variant.
Genome position (GRCh38, 1-based): chr19:38,478,552, C>T. VCF-style: chr19-38478552-C-T. GRCh37 (hg19) VCF-style: chr19-38969192-C-T.
Other names: c.4572C>T, p.Gly1524= (NM_001042723.2).
Identifiers: ClinVar variation 3387716 (VCV003387716.1).